The following is an entry in ClinVar:

NM_001330700.2(TOP2B):c.396-14_396-5del

Gene: TOP2B (DNA topoisomerase II beta; minus strand). Cytogenetic location: 3p24.2.
Variant type: Deletion.
Coding change: c.396-14_396-5del on transcript NM_001330700.2 (MANE Select); 14 bases into the intron before coding-DNA position 396 through 5 bases into the intron before coding-DNA position 396, 10 bases deleted (TTTTTTTTTT; older notation c.396-14_396-5delTTTTTTTTTT).
Molecular consequence: intron variant.
Genome position (GRCh38, 1-based): chr3:25,638,315-25,638,324, AAAAAAAAAA deleted on the plus strand (TTTTTTTTTT on the coding strand, the reverse complement: TOP2B is on the minus strand); deleting any 10 consecutive bases within chr3:25,638,315-25,638,352 gives the same sequence; the c. name uses the placement nearest the transcript's 3' end. VCF-style (leftmost placement, unchanged base first): chr3-25638314-TAAAAAAAAAA-T. GRCh37 (hg19) VCF-style: chr3-25679805-TAAAAAAAAAA-T.
Other names: c.381-14_381-5del (NM_001068.3); c.396-14_396-5del10 (NM_001330700.1).
Identifiers: ClinVar variation 1169723 (VCV001169723.10), dbSNP rs56986587, ClinGen allele CA71660661.

ClinVar aggregate classification (germline): Benign/Likely benign. Review status: criteria provided, multiple submitters, no conflicts (2 of 4 stars). 3 submissions from 3 submitters: Benign (1); Likely benign (1). 1 of the submissions does not count toward it. Last evaluated 2026-02-04.

Conditions:
TOP2B-related disorder. Also called: TOP2B-related condition.

Submissions (3):

Labcorp Genetics (formerly Invitae), Labcorp
Classification: Benign. Last evaluated: 2026-02-04. Review status: criteria provided, single submitter. Criteria: Invitae Variant Classification Sherloc (09022015). Collection method: clinical testing. Allele origin: germline.

Blueprint Genetics
Classification: Likely benign. Last evaluated: 2024-11-26. Review status: criteria provided, single submitter. Criteria: ACMG Guidelines, 2015. Collection method: clinical testing. Allele origin: germline.

PreventionGenetics, part of Exact Sciences
Classification: Likely benign for TOP2B-related condition. Last evaluated: 2023-10-04. Review status: no assertion criteria provided. Collection method: clinical testing. Allele origin: germline. Not counted in ClinVar's aggregate classification.
Comment: This variant is classified as likely benign based on ACMG/AMP sequence variant interpretation guidelines (Richards et al. 2015 PMID: 25741868, with internal and published modifications).